The following is an entry in ClinVar:

ClinVar aggregate classification (germline): Likely benign (1 of 4 stars; one submission).

Allele frequency attached by ClinVar (database versions not stated): gnomAD 0.00004; TOPMed 0.00005; gnomAD exomes 0.00007.
gnomAD v4.1: 22 of 359,713 alleles (0.0061%); highest among the groups gnomAD compares: Admixed American, 0.012%; no homozygotes.

Submission:

CeGaT Center for Human Genetics Tuebingen
Classification: Likely benign. Last evaluated: 2022-11-01. Review status: criteria provided, single submitter. Criteria: CeGaT Center For Human Genetics Tuebingen Variant Classification Criteria Version 2. Collection method: clinical testing. Allele origin: germline. Affected: yes. Observed: 1 variant allele.
Comment: IL13RA1: BS2

NM_001560.3(IL13RA1):c.1009+3369C>T

Gene: IL13RA1 (interleukin 13 receptor subunit alpha 1; plus strand). Cytogenetic location: Xq24.
Variant type: single nucleotide variant.
Coding change: c.1009+3369C>T on transcript NM_001560.3 (MANE Select); 3369 bases into the intron after coding-DNA position 1009, C replaced by T.
Molecular consequence: intron variant.
Genome position (GRCh38, 1-based): chrX:118,770,345, C>T. VCF-style: chrX-118770345-C-T. GRCh37 (hg19) VCF-style: chrX-117904308-C-T.
Identifiers: ClinVar variation 2661275 (VCV002661275.24), dbSNP rs1209600749, ClinGen allele CA518326449.
Genomic context (GRCh38, chrX:118,770,345, plus strand): 5'-TTCAACGACTCCTCGCTGTGGCACCAGTGCTGGCCCGGCGAGCCCTACGTGGAGGTGCCG[C>T]GCTACCGCACTGCACCTGCATCACCCGGTAGACCAACTACCCCATCAAGTTCTGCAACCC-3'